The following is an entry in ClinVar:

ClinVar aggregate classification (germline): Uncertain significance (1 of 4 stars; one submission).

Submission:

Ambry Genetics
Classification: Uncertain significance. Last evaluated: 2025-09-28. Review status: criteria provided, single submitter. Criteria: Ambry Variant Classification Scheme 2023. Collection method: clinical testing. Allele origin: germline.
Comment: The p.E692Q variant (also known as c.2074G>C), located in coding exon 14 of the CTNNA3 gene, results from a G to C substitution at nucleotide position 2074. The glutamic acid at codon 692 is replaced by glutamine, an amino acid with highly similar properties. This amino acid position is conserved. In addition, this alteration is predicted to be tolerated by in silico analysis. Based on the available evidence, the clinical significance of this variant remains unclear.

NM_013266.4(CTNNA3):c.2074G>C (p.Glu692Gln)

Gene: CTNNA3 (catenin alpha 3; minus strand). Cytogenetic location: 10q21.3.
Variant type: single nucleotide variant.
Coding change: c.2074G>C on transcript NM_013266.4 (MANE Select); coding-DNA position 2074, G replaced by C.
Protein change: p.Glu692Gln; replaces glutamic acid 692 with glutamine.
Molecular consequence: missense variant.
Genome position (GRCh38, 1-based): chr10:66,069,393, C>G on the plus strand (G>C on the coding strand, the complement: CTNNA3 is on the minus strand). VCF-style: chr10-66069393-C-G. GRCh37 (hg19) VCF-style: chr10-67829151-C-G.
Other names: c.2074G>C, p.Glu692Gln (NM_001127384.3); short protein forms E692Q.
Identifiers: ClinVar variation 4657486 (VCV004657486.1).